The following is an entry in ClinVar:

NM_000211.5(ITGB2):c.1933G>A (p.Ala645Thr)

Gene: ITGB2 (integrin subunit beta 2; minus strand). Cytogenetic location: 21q22.3.
Variant type: single nucleotide variant.
Coding change: c.1933G>A on transcript NM_000211.5 (MANE Select); coding-DNA position 1933, G replaced by A.
Protein change: p.Ala645Thr; replaces alanine 645 with threonine.
Molecular consequence: missense variant.
Genome position (GRCh38, 1-based): chr21:44,888,840, C>T on the plus strand (G>A on the coding strand, the complement: ITGB2 is on the minus strand). VCF-style: chr21-44888840-C-T. GRCh37 (hg19) VCF-style: chr21-46308755-C-T.
Other names: c.1933G>A, p.Ala645Thr (NM_001127491.3); c.1726G>A, p.Ala576Thr (NM_001303238.2); short protein forms A645T, A576T.
Identifiers: ClinVar variation 846383 (VCV000846383.5), dbSNP rs142112499, ClinGen allele CA10062632.

ClinVar aggregate classification (germline): Uncertain significance (1 of 4 stars; one submission).

Conditions:
Leukocyte adhesion deficiency 1 (LAD1). Also called: LEUKOCYTE ADHESION DEFICIENCY, TYPE I; LAD 1; Lymphocyte function-associated antigen 1 immunodeficiency; LFA 1 immunodeficiency. Identifiers: Orphanet 2968, Orphanet 99842, MedGen C0398738, MONDO:0007293, OMIM 116920.

Allele frequency attached by ClinVar (database versions not stated): TOPMed 0.00008; 1000 Genomes Project 30x 0.00031.
gnomAD v4.1: 59 of 1,610,238 alleles (0.0037%); highest among the groups gnomAD compares: East Asian, 0.029%; no homozygotes.

Submission:

Labcorp Genetics (formerly Invitae), Labcorp
Classification: Uncertain significance for Leukocyte adhesion deficiency 1. Last evaluated: 2022-08-12. Review status: criteria provided, single submitter. Criteria: Invitae Variant Classification Sherloc (09022015). Collection method: clinical testing. Allele origin: germline.
Comment: This sequence change replaces alanine, which is neutral and non-polar, with threonine, which is neutral and polar, at codon 645 of the ITGB2 protein (p.Ala645Thr). This variant is present in population databases (rs142112499, gnomAD 0.03%). This variant has not been reported in the literature in individuals affected with ITGB2-related conditions. ClinVar contains an entry for this variant (Variation ID: 846383). Algorithms developed to predict the effect of missense changes on protein structure and function output the following: SIFT: "Tolerated"; PolyPhen-2: "Benign"; Align-GVGD: "Class C0". The threonine amino acid residue is found in multiple mammalian species, which suggests that this missense change does not adversely affect protein function. In summary, the available evidence is currently insufficient to determine the role of this variant in disease. Therefore, it has been classified as a Variant of Uncertain Significance.